The following is an entry in ClinVar:

ClinVar aggregate classification (germline): Uncertain significance (1 of 4 stars; one submission).

Conditions:
Charcot-Marie-Tooth disease axonal type 2O. Also called: CHARCOT-MARIE-TOOTH NEUROPATHY, AXONAL, TYPE 2O; CHARCOT-MARIE-TOOTH DISEASE, AXONAL, AUTOSOMAL DOMINANT, TYPE 2O; Charcot-Marie-Tooth Neuropathy Type 2O; Charcot-Marie-Tooth disease, axonal, type 20. Identifiers: Orphanet 284232, MedGen C3280220, MONDO:0013644, OMIM 614228.

Submission:

Labcorp Genetics (formerly Invitae), Labcorp
Classification: Uncertain significance for Charcot-Marie-Tooth disease axonal type 2O. Last evaluated: 2022-12-31. Review status: criteria provided, single submitter. Criteria: Invitae Variant Classification Sherloc (09022015). Collection method: clinical testing. Allele origin: germline.
Comment: In summary, the available evidence is currently insufficient to determine the role of this variant in disease. Therefore, it has been classified as a Variant of Uncertain Significance. Algorithms developed to predict the effect of sequence changes on RNA splicing suggest that this variant may disrupt the consensus splice site. Algorithms developed to predict the effect of missense changes on protein structure and function (SIFT, PolyPhen-2, Align-GVGD) all suggest that this variant is likely to be disruptive. This variant has not been reported in the literature in individuals affected with DYNC1H1-related conditions. This variant is not present in population databases (gnomAD no frequency). This sequence change replaces glutamic acid, which is acidic and polar, with lysine, which is basic and polar, at codon 4075 of the DYNC1H1 protein (p.Glu4075Lys).

NM_001376.5(DYNC1H1):c.12223G>A (p.Glu4075Lys)

Gene: DYNC1H1 (dynein cytoplasmic 1 heavy chain 1; plus strand). Cytogenetic location: 14q32.31.
Variant type: single nucleotide variant.
Coding change: c.12223G>A on transcript NM_001376.5 (MANE Select); coding-DNA position 12223, G replaced by A.
Protein change: p.Glu4075Lys; replaces glutamic acid 4075 with lysine.
Molecular consequence: missense variant.
Genome position (GRCh38, 1-based): chr14:102,042,236, G>A. VCF-style: chr14-102042236-G-A. GRCh37 (hg19) VCF-style: chr14-102508573-G-A.
Other names: short protein forms E4075K.
Identifiers: ClinVar variation 2825227 (VCV002825227.3), dbSNP rs2503858327, ClinGen allele CA391039011.